The following is an entry in ClinVar:

ClinVar aggregate classification (germline): Uncertain significance (1 of 4 stars; one submission).

Conditions:
Epidermolysis bullosa simplex with nail dystrophy (EBS5D). Identifiers: MedGen C4225309, MONDO:0014661, OMIM 616487.
Epidermolysis bullosa simplex, Ogna type (EBS5A). Also called: EPIDERMOLYSIS BULLOSA SIMPLEX 5A, OGNA TYPE; Pidermolysis bullosa simplex 5A, Ogna type. Identifiers: Orphanet 79401, MedGen C0432317, MONDO:0007555, OMIM 131950.
Autosomal recessive limb-girdle muscular dystrophy type 2Q (LGMDR17). Also called: MUSCULAR DYSTROPHY, LIMB-GIRDLE, AUTOSOMAL RECESSIVE 17. Identifiers: Orphanet 254361, MedGen C3150989, MONDO:0013390, OMIM 613723.
Epidermolysis bullosa simplex 5B, with muscular dystrophy (EBS5B). Also called: EPIDERMOLYSIS BULLOSA SIMPLEX AND LIMB-GIRDLE MUSCULAR DYSTROPHY; Epidermolysis bullosa simplex with muscular dystrophy. Identifiers: Orphanet 257, MedGen C2931072, MONDO:0009181, OMIM 226670.
Epidermolysis bullosa simplex 5C, with pyloric atresia (EBS5C). Also called: PLEC1-Related Epidermolysis Bullosa with Pyloric Atresia; PLEC-Related Epidermolysis Bullosa with Pyloric Atresia; Epidermolysis bullosa simplex with pyloric atresia. Identifiers: Orphanet 158684, MedGen C2677349, MONDO:0012807, OMIM 612138.

gnomAD v4.1: 1 of 1,613,842 alleles (0.000062%); no homozygotes.

Submission:

Labcorp Genetics (formerly Invitae), Labcorp
Classification: Uncertain significance for Autosomal recessive limb-girdle muscular dystrophy type 2Q; Epidermolysis bullosa simplex, Ogna type; Epidermolysis bullosa simplex with nail dystrophy; Epidermolysis bullosa simplex 5C, with pyloric atresia; Epidermolysis bullosa simplex 5B, with muscular dystrophy. Last evaluated: 2024-03-19. Review status: criteria provided, single submitter. Criteria: Invitae Variant Classification Sherloc (09022015). Collection method: clinical testing. Allele origin: germline.
Comment: This sequence change replaces leucine, which is neutral and non-polar, with phenylalanine, which is neutral and non-polar, at codon 83 of the PLEC protein (p.Leu83Phe). This variant is present in population databases (no rsID available, gnomAD no frequency). This variant has not been reported in the literature in individuals affected with PLEC-related conditions. Experimental studies and prediction algorithms are not available or were not evaluated, and the functional significance of this variant is currently unknown. In summary, the available evidence is currently insufficient to determine the role of this variant in disease. Therefore, it has been classified as a Variant of Uncertain Significance.

NM_201384.3(PLEC):c.166C>T (p.Leu56Phe)

Gene: PLEC (plectin; minus strand). Cytogenetic location: 8q24.3.
Variant type: single nucleotide variant.
Coding change: c.166C>T on transcript NM_201384.3 (MANE Select); coding-DNA position 166, C replaced by T.
Protein change: p.Leu56Phe; replaces leucine 56 with phenylalanine.
Molecular consequence: missense variant.
Genome position (GRCh38, 1-based): chr8:143,938,639, G>A on the plus strand (C>T on the coding strand, the complement: PLEC is on the minus strand). VCF-style: chr8-143938639-G-A. GRCh37 (hg19) VCF-style: chr8-145012807-G-A.
Other names: c.247C>T, p.Leu83Phe (NM_000445.5, NM_001410941.1); c.124C>T, p.Leu42Phe (NM_201378.4); c.100C>T, p.Leu34Phe (NM_201379.3); c.577C>T, p.Leu193Phe (NM_201380.4); c.70C>T, p.Leu24Phe (NM_201381.3); c.166C>T, p.Leu56Phe (NM_201382.4); c.178C>T, p.Leu60Phe (NM_201383.3); short protein forms L193F, L24F, L34F, L42F, L56F, L60F, L83F.
Identifiers: ClinVar variation 3762500 (VCV003762500.2).
Genomic context (GRCh38, chr8:143,938,639, plus strand): 5'-GCGCCTCCCACAGCCTCAGCCCCTGTGACACGCACCAGCATGCGCCACCAACCTTGATGA[G>A]GTGCTTGTTGACCCACTTGGTGAAGGTTTTCTTCTGCACACGATCCCGCTCATCTGGGGG-3'
Protein context (NP_958786.1, residues 46-66): KTFTKWVNKH[Leu56Phe]IKAQRHISDL